The following is an entry in ClinVar:

NM_001243279.3(ACSF3):c.159T>G (p.Phe53Leu)

Gene: ACSF3 (acyl-CoA synthetase family member 3; plus strand). Cytogenetic location: 16q24.3.
Variant type: single nucleotide variant.
Coding change: c.159T>G on transcript NM_001243279.3 (MANE Select); coding-DNA position 159, T replaced by G.
Protein change: p.Phe53Leu; replaces phenylalanine 53 with leucine.
Molecular consequence: missense variant. On other transcripts: non-coding transcript variant (3), intron variant (1).
Genome position (GRCh38, 1-based): chr16:89,100,840, T>G. VCF-style: chr16-89100840-T-G. GRCh37 (hg19) VCF-style: chr16-89167248-T-G.
Other names: c.159T>G, p.Phe53Leu (NM_001127214.4, NM_174917.5); c.-129-1764T>G (NM_001284316.2); short protein forms F53L.
Identifiers: ClinVar variation 2183987 (VCV002183987.1), dbSNP rs765633249, ClinGen allele CA8237561.

ClinVar aggregate classification (germline): Uncertain significance (1 of 4 stars; one submission).

Conditions:
Combined malonic and methylmalonic acidemia. Identifiers: Orphanet 289504, MedGen C3280314, MONDO:0013661, OMIM 614265.

Allele frequency attached by ClinVar (database versions not stated): ExAC 0.00001; gnomAD 0.00001; gnomAD exomes 0.00001; TOPMed 0.00001.
gnomAD v4.1: 11 of 1,613,414 alleles (0.00068%); highest among the groups gnomAD compares: Non-Finnish European, 0.00093%; no homozygotes.

Submission:

Labcorp Genetics (formerly Invitae), Labcorp
Classification: Uncertain significance for Combined malonic and methylmalonic acidemia. Last evaluated: 2022-07-30. Review status: criteria provided, single submitter. Criteria: Invitae Variant Classification Sherloc (09022015). Collection method: clinical testing. Allele origin: germline.
Comment: This sequence change replaces phenylalanine, which is neutral and non-polar, with leucine, which is neutral and non-polar, at codon 53 of the ACSF3 protein (p.Phe53Leu). This variant is present in population databases (rs765633249, gnomAD 0.002%). This variant has not been reported in the literature in individuals affected with ACSF3-related conditions. Advanced modeling of protein sequence and biophysical properties (such as structural, functional, and spatial information, amino acid conservation, physicochemical variation, residue mobility, and thermodynamic stability) performed at Invitae indicates that this missense variant is expected to disrupt ACSF3 protein function. In summary, the available evidence is currently insufficient to determine the role of this variant in disease. Therefore, it has been classified as a Variant of Uncertain Significance.